The following is an entry in ClinVar:

NM_004444.5(EPHB4):c.449dup (p.Gly152fs)

Gene: EPHB4 (EPH receptor B4; minus strand). Cytogenetic location: 7q22.1.
Variant type: Duplication.
Coding change: c.449dup on transcript NM_004444.5 (MANE Select); coding-DNA position 449, one base duplicated (G; older notation c.449dupG).
Protein change: p.Gly152fs; shifts the reading frame from glycine 152.
Molecular consequence: frameshift variant.
Genome position (GRCh38, 1-based): chr7:100,822,630, C duplicated on the plus strand (G on the coding strand, the reverse complement: EPHB4 is on the minus strand). VCF-style (leftmost placement, unchanged base first): chr7-100822629-G-GC. GRCh37 (hg19) VCF-style: chr7-100420251-G-GC.
Other names: short protein forms G152fs.
Identifiers: ClinVar variation 2021724 (VCV002021724.4), dbSNP rs2485046175, ClinGen allele CA2580075998.

ClinVar aggregate classification (germline): Pathogenic (1 of 4 stars; one submission).

Submission:

Labcorp Genetics (formerly Invitae), Labcorp
Classification: Pathogenic. Last evaluated: 2022-12-13. Review status: criteria provided, single submitter. Criteria: Invitae Variant Classification Sherloc (09022015). Collection method: clinical testing. Allele origin: germline.
Comment: This variant is not present in population databases (gnomAD no frequency). For these reasons, this variant has been classified as Pathogenic. This variant has not been reported in the literature in individuals affected with EPHB4-related conditions. This sequence change creates a premature translational stop signal (p.Gly152Trpfs*71) in the EPHB4 gene. It is expected to result in an absent or disrupted protein product. Loss-of-function variants in EPHB4 are known to be pathogenic (PMID: 28687708).

Literature cited by the submitters: PubMed 28687708.